The following is an entry in ClinVar:

ClinVar aggregate classification (germline): Uncertain significance (0 of 4 stars; one submission).

Conditions:
NPPA-related disorder. Also called: NPPA-related condition.

Submission:

PreventionGenetics, part of Exact Sciences
Classification: Uncertain significance for NPPA-related condition. Last evaluated: 2024-09-04. Review status: no assertion criteria provided. Collection method: clinical testing. Allele origin: germline.
Comment: The NPPA c.62G>A variant is predicted to result in the amino acid substitution p.Gly21Asp. To our knowledge, this variant has not been reported in the literature or in a large population database, indicating this variant is rare. At this time, the clinical significance of this variant is uncertain due to the absence of conclusive functional and genetic evidence.

NM_006172.4(NPPA):c.62G>A (p.Gly21Asp)

Genes: NPPA (natriuretic peptide A; minus strand), LOC114827827 (VISTA enhancer hs2123; plus strand). Cytogenetic location: 1p36.22.
Variant type: single nucleotide variant.
Coding change: c.62G>A on transcript NM_006172.4 (MANE Select); coding-DNA position 62, G replaced by A.
Protein change: p.Gly21Asp; replaces glycine 21 with aspartic acid.
Molecular consequence: missense variant.
Genome position (GRCh38, 1-based): chr1:11,847,623, C>T on the plus strand (G>A on the coding strand, the complement: NPPA is on the minus strand). VCF-style: chr1-11847623-C-T. GRCh37 (hg19) VCF-style: chr1-11907680-C-T.
Other names: short protein forms G21D.
Identifiers: ClinVar variation 3345298 (VCV003345298.1).
Genomic context (GRCh38, chr1:11,847,623, plus strand): 5'-TTGAAATCCATCAGGTCTGCGTTGGACACGGCATTGTACATGGGATTAGCTCTGGTCTGA[C>T]CTAGGAGCTGGAATGCCAGTAAAAGGAGGAAGCTCACGGTGGTGGTGGAGAAGGAGCTCA-3'
Protein context (NP_006163.1, residues 11-31): FLLLLAFQLL[Gly21Asp]QTRANPMYNA